The following is an entry in ClinVar:

NM_000264.5(PTCH1):c.2919G>T (p.Gln973His)

Gene: PTCH1 (patched 1; minus strand). Cytogenetic location: 9q22.32.
Variant type: single nucleotide variant.
Coding change: c.2919G>T on transcript NM_000264.5 (MANE Select); coding-DNA position 2919, G replaced by T.
Protein change: p.Gln973His; replaces glutamine 973 with histidine.
Molecular consequence: missense variant. On other transcripts: non-coding transcript variant (1).
Genome position (GRCh38, 1-based): chr9:95,458,262, C>A on the plus strand (G>T on the coding strand, the complement: PTCH1 is on the minus strand). VCF-style: chr9-95458262-C-A. GRCh37 (hg19) VCF-style: chr9-98220544-C-A.
Other names: c.2721G>T, p.Gln907His (NM_001083602.3); c.2916G>T, p.Gln972His (NM_001083603.3); c.2466G>T, p.Gln822His (NM_001083604.3, NM_001083605.3, NM_001083606.3 and 1 more transcripts); c.2763G>T, p.Gln921His (NM_001354918.2); short protein forms Q907H, Q973H, Q972H, Q822H, Q921H.
Identifiers: ClinVar variation 578424 (VCV000578424.9), dbSNP rs1564019804, ClinGen allele CA374112782.

ClinVar aggregate classification (germline): Uncertain significance (1 of 4 stars; one submission).

Conditions:
Gorlin syndrome. Also called: Basal cell nevus syndrome; Nevoid Basal Cell Carcinoma Syndrome. Identifiers: Orphanet 377, MedGen C0004779, MONDO:0007187.

Submission:

Labcorp Genetics (formerly Invitae), Labcorp
Classification: Uncertain significance for Gorlin syndrome. Last evaluated: 2018-06-12. Review status: criteria provided, single submitter. Criteria: Invitae Variant Classification Sherloc (09022015). Collection method: clinical testing. Allele origin: germline.
Comment: In summary, the available evidence is currently insufficient to determine the role of this variant in disease. Therefore, it has been classified as a Variant of Uncertain Significance. Algorithms developed to predict the effect of missense changes on protein structure and function are either unavailable or do not agree on the potential impact of this missense change (SIFT: "Tolerated"; PolyPhen-2: "Probably Damaging"; Align-GVGD: "Class C0"). This variant has not been reported in the literature in individuals with PTCH1-related disease. This variant is not present in population databases (ExAC no frequency). This sequence change replaces glutamine with histidine at codon 973 of the PTCH1 protein (p.Gln973His). The glutamine residue is highly conserved and there is a small physicochemical difference between glutamine and histidine.